The following is an entry in ClinVar:

ClinVar aggregate classification (germline): Likely pathogenic (1 of 4 stars; one submission).

Submission:

GeneDx
Classification: Likely pathogenic. Last evaluated: 2017-05-01. Review status: criteria provided, single submitter. Criteria: GeneDx Variant Classification (06012015). Collection method: clinical testing. Allele origin: germline. Affected: yes.
Comment: The K2146Q variant in the ANKRD11 gene has not been reported previously as a pathogenic variant, nor as a benign variant, to our knowledge. The K2146Q variant is not observed in large population cohorts (Lek et al., 2016; 1000 Genomes Consortium et al., 2015; Exome Variant Server). The K2146Q variant is a semi-conservative amino acid substitution, which may impact secondary protein structure as these residues differ in some properties. This substitution occurs at a position that is conserved in mammals. In silico analysis is inconsistent in its predictions as to whether or not the variant is damaging to the protein structure/function. We interpret K2146Q as a likely pathogenic variant.

NM_013275.6(ANKRD11):c.6436A>C (p.Lys2146Gln)

Gene: ANKRD11 (ankyrin repeat domain containing 11; minus strand). Cytogenetic location: 16q24.3.
Variant type: single nucleotide variant.
Coding change: c.6436A>C on transcript NM_013275.6 (MANE Select); coding-DNA position 6436, A replaced by C.
Protein change: p.Lys2146Gln; replaces lysine 2146 with glutamine.
Molecular consequence: missense variant.
Genome position (GRCh38, 1-based): chr16:89,280,106, T>G on the plus strand (A>C on the coding strand, the complement: ANKRD11 is on the minus strand). VCF-style: chr16-89280106-T-G. GRCh37 (hg19) VCF-style: chr16-89346514-T-G.
Other names: c.6436A>C, p.Lys2146Gln (NM_001256182.2, NM_001256183.2); short protein forms K2146Q.
Identifiers: ClinVar variation 449957 (VCV000449957.2), dbSNP rs1283976400, ClinGen allele CA397151160.